The following is an entry in ClinVar:

NC_000019.9:g.(?_12917488)_(13205463_?)del

Genes: CALR (calreticulin; plus strand), DAND5 (DAN domain BMP antagonist family member 5; plus strand), DNASE2 (deoxyribonuclease 2, lysosomal; minus strand), FARSA (phenylalanyl-tRNA synthetase subunit alpha; minus strand), GADD45GIP1 (GADD45G interacting protein 1; minus strand) and 8 more. Cytogenetic location: 19p13.2.
Variant type: Deletion.
Identifiers: ClinVar variation 1511662 (VCV001511662.4).

ClinVar aggregate classification (germline): Uncertain significance (1 of 4 stars; one submission).

Submission:

Labcorp Genetics (formerly Invitae), Labcorp
Classification: Uncertain significance. Last evaluated: 2021-05-25. Review status: criteria provided, single submitter. Criteria: Invitae Variant Classification Sherloc (09022015). Collection method: clinical testing. Allele origin: germline.
Comment: In summary, the available evidence is currently insufficient to determine the role of this variant in disease. Therefore, it has been classified as a Variant of Uncertain Significance. This variant has not been reported in the literature in individuals with DNASE2-related conditions. A gross deletion of the genomic region encompassing the full coding sequence of the DNASE2 gene has been identified. The current clinical and genetic evidence is not sufficient to establish whether loss-of-function variants in DNASE2 cause disease. The boundaries of this event are unknown as they extend beyond the assayed region for this gene and therefore may encompass additional genes.